The following is an entry in ClinVar:

ClinVar aggregate classification (germline): Uncertain significance (1 of 4 stars; one submission).

Conditions:
POLD1-related polyposis and colorectal cancer syndrome (CRCS10). Also called: Colorectal cancer 10; COLORECTAL CANCER, SUSCEPTIBILITY TO, ON CHROMOSOME 19q; Colorectal cancer, susceptibility to, 10. Identifiers: Orphanet 220460, MedGen C2675481, MONDO:0012953, OMIM 612591.

Submission:

Labcorp Genetics (formerly Invitae), Labcorp
Classification: Uncertain significance for POLD1-related polyposis and colorectal cancer syndrome. Last evaluated: 2024-02-15. Review status: criteria provided, single submitter. Criteria: Invitae Variant Classification Sherloc (09022015). Collection method: clinical testing. Allele origin: germline.
Comment: This sequence change falls in intron 10 of the POLD1 gene. It does not directly change the encoded amino acid sequence of the POLD1 protein. It affects a nucleotide within the consensus splice site. This variant is not present in population databases (gnomAD no frequency). This variant has not been reported in the literature in individuals affected with POLD1-related conditions. Variants that disrupt the consensus splice site are a relatively common cause of aberrant splicing (PMID: 17576681, 9536098). Algorithms developed to predict the effect of sequence changes on RNA splicing suggest that this variant may create or strengthen a splice site. In summary, the available evidence is currently insufficient to determine the role of this variant in disease. Therefore, it has been classified as a Variant of Uncertain Significance.

Literature cited by the submitters: PubMed 17576681; PubMed 9536098.

NM_002691.4(POLD1):c.1242+5G>C

Gene: POLD1 (DNA polymerase delta 1, catalytic subunit; plus strand). Cytogenetic location: 19q13.33.
Variant type: single nucleotide variant.
Coding change: c.1242+5G>C on transcript NM_002691.4 (MANE Select); 5 bases into the intron after coding-DNA position 1242, G replaced by C.
Molecular consequence: intron variant.
Genome position (GRCh38, 1-based): chr19:50,403,602, G>C. VCF-style: chr19-50403602-G-C. GRCh37 (hg19) VCF-style: chr19-50906859-G-C.
Other names: c.1242+5G>C (NM_001256849.1, NM_001308632.1).
Identifiers: ClinVar variation 3641019 (VCV003641019.2).